The following is an entry in ClinVar:

ClinVar aggregate classification (germline): Uncertain significance (1 of 4 stars; one submission).

Conditions:
Progressive myoclonic epilepsy. Also called: Familial progressive myoclonic epilepsy; Myoclonus epilepsy; Progressive myoclonus epilepsy; Myoclonic Epilepsies, Progressive. Identifiers: Orphanet 308, Orphanet 98261, MedGen C0751778, MONDO:0020074.

Submission:

Labcorp Genetics (formerly Invitae), Labcorp
Classification: Uncertain significance for Progressive myoclonic epilepsy. Last evaluated: 2020-06-29. Review status: criteria provided, single submitter. Criteria: Invitae Variant Classification Sherloc (09022015). Collection method: clinical testing. Allele origin: germline.
Comment: In summary, the available evidence is currently insufficient to determine the role of this variant in disease. Therefore, it has been classified as a Variant of Uncertain Significance. Algorithms developed to predict the effect of sequence changes on RNA splicing suggest that this variant may create or strengthen a splice site, but this prediction has not been confirmed by published transcriptional studies. Algorithms developed to predict the effect of missense changes on protein structure and function (SIFT, PolyPhen-2, Align-GVGD) all suggest that this variant is likely to be tolerated, but these predictions have not been confirmed by published functional studies and their clinical significance is uncertain. This variant has not been reported in the literature in individuals with EPM2A-related conditions. The frequency data for this variant in the population databases is considered unreliable, as metrics indicate insufficient coverage at this position in the ExAC database. This sequence change replaces alanine with valine at codon 71 of the EPM2A protein (p.Ala71Val). The alanine residue is weakly conserved and there is a small physicochemical difference between alanine and valine.

NM_005670.4(EPM2A):c.212C>T (p.Ala71Val)

Genes: EPM2A (EPM2A glucan phosphatase, laforin; minus strand), EPM2A-DT (EPM2A divergent transcript; plus strand), LOC129997381 (ATAC-STARR-seq lymphoblastoid silent region 17642; plus strand). Cytogenetic location: 6q24.3.
Variant type: single nucleotide variant.
Coding change: c.212C>T on transcript NM_005670.4 (MANE Select); coding-DNA position 212, C replaced by T.
Protein change: p.Ala71Val; replaces alanine 71 with valine.
Molecular consequence: missense variant. On other transcripts: 5 prime UTR variant (3), intron variant (1).
Genome position (GRCh38, 1-based): chr6:145,735,287, G>A on the plus strand (C>T on the coding strand, the complement: EPM2A is on the minus strand). VCF-style: chr6-145735287-G-A. GRCh37 (hg19) VCF-style: chr6-146056423-G-A.
Other names: c.212C>T, p.Ala71Val (NM_001018041.2, NM_001360057.2, NM_001368130.1); c.-458C>T (NM_001360071.2); c.-412C>T (NM_001368129.2); c.-156C>T (NM_001368131.1); c.-114+621C>T (NM_001360064.2); short protein forms A71V.
Identifiers: ClinVar variation 998586 (VCV000998586.9), dbSNP rs1263035227, ClinGen allele CA366188026.